The following is an entry in ClinVar:

ClinVar aggregate classification (germline): Pathogenic (1 of 4 stars; one submission).

Conditions:
Joubert syndrome 3 (JBTS3). Also called: AHI1-related Ciliopathy. Identifiers: Orphanet 220493, MedGen C1837713, MONDO:0012078, OMIM 608629.

Submission:

Myriad Genetics, Inc.
Classification: Pathogenic for Joubert syndrome 3. Last evaluated: 2025-07-01. Review status: criteria provided, single submitter. Criteria: Myriad Autosomal Dominant, Autosomal Recessive and X-Linked Classification Criteria (2023). Collection method: clinical testing. Allele origin: unknown.
Comment: NM_001134831.1(AHI1):c.1992_1999del8ins16(D665Efs*24) is a frameshift variant classified as pathogenic in the context of Joubert syndrome, AHI1-related. D665Efs*24 has not been observed in cases with relevant disease. Relevant functional assessments of this variant are not available in the literature. D665Efs*24 has not been observed in referenced population frequency databases. In summary, NM_001134831.1(AHI1):c.1992_1999del8ins16(D665Efs*24) is a frameshift variant in a gene where loss of function is a known mechanism of disease and is predicted to disrupt protein function. Please note: this variant was assessed in the context of healthy population screening.

NM_001134831.2(AHI1):c.1992_1999delinsGGAAAGATCCTTTCTT (p.Asp665fs)

Gene: AHI1 (Abelson helper integration site 1; minus strand). Cytogenetic location: 6q23.3.
Variant type: Indel.
Coding change: c.1992_1999delinsGGAAAGATCCTTTCTT on transcript NM_001134831.2 (MANE Select); coding-DNA positions 1992 to 1999, AGATGATC replaced by GGAAAGATCCTTTCTT.
Protein change: p.Asp665fs; shifts the reading frame from aspartic acid 665.
Molecular consequence: frameshift variant.
Genome position (GRCh38, 1-based): chr6:135,438,412-135,438,419, GATCATCT replaced by AAGAAAGGATCTTTCC on the plus strand (AGATGATC replaced by GGAAAGATCCTTTCTT on the coding strand, the reverse complement: AHI1 is on the minus strand). VCF-style: chr6-135438412-GATCATCT-AAGAAAGGATCTTTCC. GRCh37 (hg19) VCF-style: chr6-135759550-GATCATCT-AAGAAAGGATCTTTCC.
Other names: c.1992_1999delinsGGAAAGATCCTTTCTT, p.Asp665fs (NM_001134830.2, NM_001134832.2, NM_001350503.2 and 2 more transcripts); short protein forms D665fs.
Identifiers: ClinVar variation 4081686 (VCV004081686.1).